The following is an entry in ClinVar:

NM_001372044.2(SHANK3):c.3769C>T (p.Arg1257Trp)

Gene: SHANK3 (SH3 and multiple ankyrin repeat domains 3; plus strand). Cytogenetic location: 22q13.33.
Variant type: single nucleotide variant.
Coding change: c.3769C>T on transcript NM_001372044.2 (MANE Select); coding-DNA position 3769, C replaced by T.
Protein change: p.Arg1257Trp; replaces arginine 1257 with tryptophan.
Molecular consequence: missense variant.
Genome position (GRCh38, 1-based): chr22:50,721,377, C>T. VCF-style: chr22-50721377-C-T. GRCh37 (hg19) VCF-style: chr22-51159805-C-T.
Other names: c.3544C>T, p.Arg1182Trp (NM_033517.1); short protein forms R1182W, R1257W.
Identifiers: ClinVar variation 3234808 (VCV003234808.20), dbSNP rs765532399, ClinGen allele CA515262197.
Genomic context (GRCh38, chr22:50,721,377, plus strand): 5'-TCCCCACGGAGCCCAGCCTGGATTCCTGTGCCTGCTCGCAGGGAGGCAGAGAAGGTCCCC[C>T]GGGAGGAGCGGAAGTCACCCGAGGACAAGAAGTCCATGATCCTCAGCGTCCTGGACACAT-3'
Protein context (NP_001358973.1, residues 1247-1267): PARREAEKVP[Arg1257Trp]EERKSPEDKK

ClinVar aggregate classification (germline): Uncertain significance (1 of 4 stars; one submission).

Submission:

CeGaT Center for Human Genetics Tuebingen
Classification: Uncertain significance. Last evaluated: 2024-04-01. Review status: criteria provided, single submitter. Criteria: CeGaT Center For Human Genetics Tuebingen Variant Classification Criteria Version 2. Collection method: clinical testing. Allele origin: germline. Affected: yes. Observed: 1 variant allele.
Comment: SHANK3: PM2